The following is an entry in ClinVar:

NM_031885.5(BBS2):c.1438C>T (p.Arg480Ter)

Gene: BBS2 (Bardet-Biedl syndrome 2; minus strand). Cytogenetic location: 16q13.
Variant type: single nucleotide variant.
Coding change: c.1438C>T on transcript NM_031885.5 (MANE Select); coding-DNA position 1438, C replaced by T.
Protein change: p.Arg480Ter; replaces arginine 480 with a stop codon.
Molecular consequence: nonsense. On other transcripts: non-coding transcript variant (5).
Genome position (GRCh38, 1-based): chr16:56,499,867, G>A on the plus strand (C>T on the coding strand, the complement: BBS2 is on the minus strand). VCF-style: chr16-56499867-G-A. GRCh37 (hg19) VCF-style: chr16-56533779-G-A.
Other names: c.1438C>T, p.Arg480Ter (NM_001377456.1); short protein forms R480*.
Identifiers: ClinVar variation 553353 (VCV000553353.29), dbSNP rs778090540, ClinGen allele CA8065736.

ClinVar aggregate classification (germline): Pathogenic/Likely pathogenic. Review status: criteria provided, multiple submitters, no conflicts (2 of 4 stars). 11 submissions from 11 submitters: Pathogenic (9); Likely pathogenic (1). 1 of the submissions does not count toward it. Last evaluated 2026-03-30.

Conditions:
Retinitis pigmentosa 74 (RP74). Identifiers: Orphanet 791, MedGen C4225281, MONDO:0014692, OMIM 616562.
Bardet-Biedl syndrome 2 (BBS2). Identifiers: Orphanet 110, MedGen C2936863, MONDO:0014432, OMIM 615981.
Bardet-Biedl syndrome (BBS). Identifiers: Orphanet 110, MedGen C0752166, MONDO:0015229.
BBS2-related disorder. Also called: BBS2-related disorders; BBS2-related condition. Identifiers: MedGen CN239228.

Allele frequency attached by ClinVar (database versions not stated): gnomAD 0.00001; TOPMed 0.00001; ExAC 0.00002; gnomAD exomes 0.00002 and 0.00003.
gnomAD v4.1: 39 of 1,614,004 alleles (0.0024%); highest among the groups gnomAD compares: Non-Finnish European, 0.0031%; no homozygotes.

Submissions (11):

PreventionGenetics, part of Exact Sciences
Classification: Pathogenic for BBS2-related condition. Last evaluated: 2026-03-30. Review status: criteria provided, single submitter. Criteria: ACMG Guidelines, 2015. Collection method: clinical testing. Allele origin: germline.
Comment: The BBS2 c.1438C>T variant is predicted to result in premature protein termination (p.Arg480*). This variant has been reported in the homozygous state and also in the heterozygous state with a second pathogenic variant in individuals with Bardet-Biedl syndrome (for example, Janssen et al. 2011. PubMed ID: 21052717; Xing et al. 2014. PubMed ID: 24608809; Rehman et al. 2019. PubMed ID: 31877759). This variant is reported in 0.0054% of alleles in individuals of East Asian descent in gnomAD. Nonsense variants in BBS2 are expected to be pathogenic. In summary, this variant is interpreted as pathogenic.

Labcorp Genetics (formerly Invitae), Labcorp
Classification: Pathogenic for Bardet-Biedl syndrome. Last evaluated: 2026-01-28. Review status: criteria provided, single submitter. Criteria: Invitae Variant Classification Sherloc (09022015). Collection method: clinical testing. Allele origin: germline.
Comment: This sequence change creates a premature translational stop signal (p.Arg480*) in the BBS2 gene. It is expected to result in an absent or disrupted protein product. Loss-of-function variants in BBS2 are known to be pathogenic (PMID: 11285252, 20177705, 24608809, 26518167). This variant is present in population databases (rs778090540, gnomAD 0.006%). This premature translational stop signal has been observed in individuals with Bardet-Biedl syndrome (PMID: 21052717, 24608809). ClinVar contains an entry for this variant (Variation ID: 553353). For these reasons, this variant has been classified as Pathogenic.

Natera, Inc.
Classification: Pathogenic for Bardet-Biedl syndrome type 2. Last evaluated: 2025-05-21. Review status: criteria provided, single submitter. Criteria: Natera Variant Classification Schema (03/2026). Collection method: clinical testing. Allele origin: germline.
Comment: The c.1438C>T variant in BBS2 is a nonsense variant predicted to introduce a stop codon at amino acid 480. This variant is expected to result in nonsense mediated decay, truncation, or a dysfunctional protein product. This variant is rare in the general population with a frequency below the threshold expected for the associated phenotype(s). This variant has been observed in one or more individuals affected with the associated recessive disease, as either homozygous or compound heterozygous with a second variant (PMID: 21052717). Given the available evidence, this variant is classified as Pathogenic.

Fulgent Genetics
Classification: Pathogenic for Bardet-Biedl syndrome 2; Retinitis pigmentosa 74. Last evaluated: 2024-03-08. Review status: criteria provided, single submitter. Criteria: ACMG Guidelines, 2015. Collection method: clinical testing. Allele origin: germline.

Baylor Genetics
Classification: Pathogenic for Bardet-Biedl syndrome 2. Last evaluated: 2024-03-01. Review status: criteria provided, single submitter. Criteria: ACMG Guidelines, 2015. Collection method: clinical testing. Allele origin: unknown.

GeneDx
Classification: Pathogenic. Last evaluated: 2024-02-28. Review status: criteria provided, single submitter. Criteria: GeneDx Variant Classification Process June 2021. Collection method: clinical testing. Allele origin: germline. Affected: yes.
Comment: Identified in the homozygous state or with a second pathogenic variant in multiple unrelated patients with features of Bardet-Biedl syndrome tested at GeneDx and in the literature (PMID: 21052717, 24608809, 26325687); Nonsense variant predicted to result in protein truncation or nonsense mediated decay in a gene for which loss of function is a known mechanism of disease; This variant is associated with the following publications: (PMID: 25525159, 24608809, 30293640, 31877759, 35140360, 31964843, 33996183, ZhangQ2023[Preprint], 38034494, 36550847, 21052717, 26325687)

Blueprint Genetics
Classification: Pathogenic for BBS2-related disorders. Last evaluated: 2022-09-02. Review status: criteria provided, single submitter. Criteria: ACMG Guidelines, 2015. Collection method: clinical testing. Allele origin: germline. Affected: yes. Observed: 3 variant alleles.

Rady Children's Institute for Genomic Medicine, Rady Children's Hospital San Diego
Classification: Pathogenic for BARDET-BIEDL SYNDROME 2. Last evaluated: 2019-10-23. Review status: criteria provided, single submitter. Criteria: ACMG Guidelines, 2015. Collection method: clinical testing. Allele origin: germline. Affected: yes.
Comment: This nonsense variant found in exon 12 of 17 is predicted to result in loss of normal protein function. This variant has been previously reported as a compound heterozygous or homozygous change in patients with Bardet-Biedl Syndrome, including thoraco-abdominal abnormalities and congenital heart defects (PMID: 21052717, 24608809, 26325687, 30293640). It is present in the heterozygous state in the gnomAD population database at a frequency of 0.0024% (6/251,458) and thus is presumed to be rare. Based on the available evidence, the c.1438C>T (p.Arg480Ter) variant is classified as Pathogenic.

Women's Health and Genetics/Laboratory Corporation of America, LabCorp
Classification: Pathogenic for Bardet-Biedl syndrome. Last evaluated: 2019-09-19. Review status: criteria provided, single submitter. Criteria: LabCorp Variant Classification Summary - May 2015. Collection method: clinical testing. Allele origin: germline.
Comment: Variant summary: BBS2 c.1438C>T (p.Arg480X) results in a premature termination codon, predicted to cause a truncation of the encoded protein or absence of the protein due to nonsense mediated decay, which are commonly known mechanisms for disease. Truncations downstream of this position have been classified as pathogenic by our laboratory. The variant allele was found at a frequency of 2.4e-05 in 251458 control chromosomes (gnomAD). c.1438C>T has been reported in the literature in individuals affected with Bardet-Biedl Syndrome (Hirano_2015, Janssen_2011, Xing_2014). These data indicate that the variant is likely to be associated with disease. To our knowledge, no experimental evidence demonstrating an impact on protein function has been reported. Three ClinVar submissions (evaluation after 2014) cite the variant twice as pathogenic and once as likely pathogenic. Based on the evidence outlined above, the variant was classified as pathogenic.

Illumina Laboratory Services, Illumina
Classification: Likely pathogenic for Bardet-Biedl syndrome 2. Last evaluated: 2019-01-09. Review status: criteria provided, single submitter. Criteria: ICSL Variant Classification Criteria 09 May 2019. Collection method: clinical testing. Allele origin: germline.
Comment: The BBS2 c.1438C>T (p.Arg480Ter) variant is a stop gained variant which has been reported in at least five studies in which it is found in a total of four probands with Bardet-Biedl syndrome, including one in a homozygous state and three in a compound heterozygous state (Ansley et al. 2003; Janssen et al. 2011; Xing et al. 2014; Hirano et al. 2015; Olson et al. 2019). The homozygous individual and their unaffected father also carried two variants in cis in the BBS9 gene (Xing et al. 2014). In all families, the variant was identified in at least one unaffected parent in a heterozygous state. The variant was absent from 396 controls but is reported at a frequency of 0.00012 in the East Asian population of the Exome Aggregation Consortium. However, the frequency data are based on one allele, so the variant is presumed to be rare. Due to the potential impact of stop-gained variants and the supporting evidence, the p.Arg480Ter variant is classified as likely pathogenic for Bardet-Biedl syndrome. This variant was observed by ICSL as part of a predisposition screen in an ostensibly healthy population.

Counsyl
Classification: Pathogenic for Bardet-Biedl syndrome 2. Last evaluated: 2017-08-24. Review status: no assertion criteria provided. Collection method: clinical testing. Allele origin: unknown. Not counted in ClinVar's aggregate classification.

Literature cited by the submitters: PubMed 11285252 (cited by Labcorp Genetics (formerly Invitae), Labcorp); PubMed 20177705 (cited by Labcorp Genetics (formerly Invitae), Labcorp); PubMed 24608809 (cited by 3 submitters); PubMed 26518167 (cited by Labcorp Genetics (formerly Invitae), Labcorp); PubMed 21052717 (cited by 5 submitters); PubMed 25525159 (cited by Women's Health and Genetics/Laboratory Corporation of America, LabCorp); PubMed 26325687 (cited by Women's Health and Genetics/Laboratory Corporation of America, LabCorp and Illumina Laboratory Services, Illumina); PubMed 14520415 (cited by Illumina Laboratory Services, Illumina); PubMed 30293640 (cited by Illumina Laboratory Services, Illumina).